The following is an entry in ClinVar:

NC_000023.10:g.(?_153577217)_(153581312_?)dup

Gene: FLNA (filamin A; minus strand). Cytogenetic location: Xq28.
Variant type: Duplication.
Identifiers: ClinVar variation 3244420 (VCV003244420.1).

ClinVar aggregate classification (germline): Uncertain significance (1 of 4 stars; one submission).

Conditions:
Melnick-Needles syndrome (MNS). Also called: MELNICK-NEEDLES OSTEODYSPLASTY; OSTEODYSPLASTY OF MELNICK AND NEEDLES; Melnick-Needles Syndrome (FLNA-MNS). Identifiers: Orphanet 2484, MedGen C0025237, MONDO:0010650, OMIM 309350.
Heterotopia, periventricular, X-linked dominant (PVNH1). Also called: PERIVENTRICULAR NODULAR HETEROTOPIA 1; X-linked periventricular heterotopia; PERIVENTRICULAR NODULAR HETEROTOPIA 4; HETEROTOPIA, PERIVENTRICULAR, 1. Identifiers: Orphanet 2149, Orphanet 82004, MedGen C1848213, MONDO:0010233, OMIM 300049.
Frontometaphyseal dysplasia (FMD1). Identifiers: Orphanet 1826, MedGen C0265293, MONDO:0015942.
Oto-palato-digital syndrome, type II (OPD2). Also called: FACIOPALATOOSSEOUS SYNDROME; OPD II SYNDROME; Otopalatodigital Syndrome, Type II; Otopalatodigital Syndrome Type 2 (FLNA-OPD2). Identifiers: Orphanet 669, Orphanet 90652, MedGen C1844696, MONDO:0010571, OMIM 304120.

Submission:

Labcorp Genetics (formerly Invitae), Labcorp
Classification: Uncertain significance for Oto-palato-digital syndrome, type II; Heterotopia, periventricular, X-linked dominant; Frontometaphyseal dysplasia; Melnick-Needles syndrome. Last evaluated: 2023-05-20. Review status: criteria provided, single submitter. Criteria: Invitae Variant Classification Sherloc (09022015). Collection method: clinical testing. Allele origin: unknown.
Comment: In summary, the available evidence is currently insufficient to determine the role of this variant in disease. Therefore, it has been classified as a Variant of Uncertain Significance. Experimental studies and prediction algorithms are not available or were not evaluated, and the functional significance of this variant is currently unknown. This variant has not been reported in the literature in individuals affected with FLNA-related conditions. This variant results in a copy number gain of the genomic region encompassing exon(s) 38-47 of the FLNA gene. This region includes the termination codon of the gene. This copy number gain extends beyond the assayed region for this gene and therefore may encompass additional genes. As the precise location of this event is unknown, it may be in tandem or it may be located elsewhere in the genome.